The following is an entry in ClinVar:

ClinVar aggregate classification (germline): Uncertain significance (1 of 4 stars; one submission).

Allele frequency attached by ClinVar (database versions not stated): gnomAD 0.00001; TOPMed 0.00001.
gnomAD v4.1: 1 of 1,613,938 alleles (0.000062%); highest among the groups gnomAD compares: African/African-American, 0.0013%; no homozygotes.

Submission:

Ambry Genetics
Classification: Uncertain significance. Last evaluated: 2022-10-19. Review status: criteria provided, single submitter. Criteria: Ambry Variant Classification Scheme 2023. Collection method: clinical testing. Allele origin: germline.
Comment: The p.K151M variant (also known as c.452A>T), located in coding exon 6 of the RAD54L gene, results from an A to T substitution at nucleotide position 452. The lysine at codon 151 is replaced by methionine, an amino acid with similar properties. This amino acid position is conserved. In addition, the in silico prediction for this alteration is inconclusive. Since supporting evidence is limited at this time, the clinical significance of this alteration remains unclear.

NM_003579.4(RAD54L):c.452A>T (p.Lys151Met)

Gene: RAD54L (RAD54 like; plus strand). Cytogenetic location: 1p34.1.
Variant type: single nucleotide variant.
Coding change: c.452A>T on transcript NM_003579.4 (MANE Select); coding-DNA position 452, A replaced by T.
Protein change: p.Lys151Met; replaces lysine 151 with methionine.
Molecular consequence: missense variant. On other transcripts: 5 prime UTR variant (1).
Genome position (GRCh38, 1-based): chr1:46,260,586, A>T. VCF-style: chr1-46260586-A-T. GRCh37 (hg19) VCF-style: chr1-46726258-A-T.
Other names: c.452A>T, p.Lys151Met (NM_001142548.2); c.-89A>T (NM_001370766.1); short protein forms K151M.
Identifiers: ClinVar variation 1741257 (VCV001741257.2), dbSNP rs1660082422, ClinGen allele CA340184959.
Genomic context (GRCh38, chr1:46,260,586, plus strand): 5'-TGCTGTGTTTTCTCAGGGAGAAACTCCCTGTCCATGTGGTTGTTGACCCTATTCTCAGTA[A>T]GGTTTTGCGGCCTCATCAGAGAGAGGTAAATGAGGGTGAGGGGAACGAGGTATGGGCTAT-3'
Protein context (NP_003570.2, residues 141-161): VHVVVDPILS[Lys151Met]VLRPHQREGV